The following is an entry in ClinVar:

NM_001278064.2(GRM1):c.2086C>T (p.Arg696Trp)

Gene: GRM1 (glutamate metabotropic receptor 1; plus strand). Cytogenetic location: 6q24.3.
Variant type: single nucleotide variant.
Coding change: c.2086C>T on transcript NM_001278064.2 (MANE Select); coding-DNA position 2086, C replaced by T.
Protein change: p.Arg696Trp; replaces arginine 696 with tryptophan.
Molecular consequence: missense variant.
Genome position (GRCh38, 1-based): chr6:146,399,125, C>T. VCF-style: chr6-146399125-C-T. GRCh37 (hg19) VCF-style: chr6-146720261-C-T.
Other names: c.2086C>T, p.Arg696Trp (NM_001278065.2, NM_001278066.1, NM_001278067.1); short protein forms R696W.
Identifiers: ClinVar variation 4884932 (VCV004884932.2).
Genomic context (GRCh38, chr6:146,399,125, plus strand): 5'-GTGACTAAAACCAATCGTATTGCACGCATCCTGGCTGGCAGCAAGAAGAAGATCTGCACC[C>T]GGAAGCCCAGGTTCATGAGTGCCTGGGCTCAGGTGATCATTGCCTCAATTCTGATTAGTG-3'
Protein context (NP_001264993.1, residues 686-706): LAGSKKKICT[Arg696Trp]KPRFMSAWAQ

ClinVar aggregate classification (germline): Uncertain significance (1 of 4 stars; one submission).

gnomAD v4.1: 3 of 1,614,060 alleles (0.00019%); highest among the groups gnomAD compares: Non-Finnish European, 0.00017%; no homozygotes.

Submission:

Dasa
Classification: Uncertain significance. Last evaluated: 2025-08-13. Review status: criteria provided, single submitter. Criteria: DASA Assertion Criteria. Collection method: clinical testing. Allele origin: germline.
Comment: NM_001278064.2(GRM1):c.2086C>T (p.Arg696Trp) is a missense variant that results in the substitution of arginine with tryptophan. This variant is rare in population databases. Computational prediction algorithms are consistent with a deleterious effect. The currently available literature and clinical evidence are not sufficient to establish a definitive association between this variant and the reported condition. Therefore, this variant is classified as a variant of uncertain significance.